The following is an entry in ClinVar:

ClinVar aggregate classification (germline): Uncertain significance. Review status: criteria provided, multiple submitters, no conflicts (2 of 4 stars). 3 submissions from 3 submitters: Uncertain significance (3). Last evaluated 2025-09-06.

Conditions:
Hereditary cancer-predisposing syndrome. Also called: Neoplastic Syndromes, Hereditary; Tumor predisposition; Hereditary Cancer Syndrome; Hereditary neoplastic syndrome. Identifiers: Orphanet 140162, MedGen C0027672, MeSH D009386, MONDO:0015356.
Malignant tumor of urinary bladder. Also called: Bladder cancer; Urinary bladder cancer; Urinary Bladder Neoplasms. Identifiers: MedGen C0005684, MONDO:0001187, OMIM 109800.
Retinoblastoma (RB1). Also called: RETINOBLASTOMA, SOMATIC. Identifiers: Orphanet 790, MedGen C0035335, MeSH D012175, MONDO:0008380, OMIM 180200, HP:0009919. Disease mechanism: loss of function. Inheritance: Both sporadic and heritable forms are tested..

Allele frequency attached by ClinVar (database versions not stated): TOPMed 0.00001.
gnomAD v4.1: 1 of 1,613,844 alleles (0.000062%); highest among the groups gnomAD compares: Admixed American, 0.0017%; no homozygotes.

Submissions (3):

Labcorp Genetics (formerly Invitae), Labcorp
Classification: Uncertain significance for Retinoblastoma. Last evaluated: 2025-09-06. Review status: criteria provided, single submitter. Criteria: Invitae Variant Classification Sherloc (09022015). Collection method: clinical testing. Allele origin: germline.
Comment: This sequence change replaces arginine, which is basic and polar, with serine, which is neutral and polar, at codon 668 of the RB1 protein (p.Arg668Ser). This variant is not present in population databases (gnomAD no frequency). This variant has not been reported in the literature in individuals affected with RB1-related conditions. ClinVar contains an entry for this variant (Variation ID: 820519). Invitae Evidence Modeling of protein sequence and biophysical properties (such as structural, functional, and spatial information, amino acid conservation, physicochemical variation, residue mobility, and thermodynamic stability) indicates that this missense variant is not expected to disrupt RB1 protein function with a negative predictive value of 80%. In summary, the available evidence is currently insufficient to determine the role of this variant in disease. Therefore, it has been classified as a Variant of Uncertain Significance.

Ambry Genetics
Classification: Uncertain significance for Hereditary cancer-predisposing syndrome. Last evaluated: 2024-12-06. Review status: criteria provided, single submitter. Criteria: Ambry Variant Classification Scheme 2023. Collection method: clinical testing. Allele origin: germline.
Comment: The p.R668S variant (also known as c.2002C>A), located in coding exon 20 of the RB1 gene, results from a C to A substitution at nucleotide position 2002. The arginine at codon 668 is replaced by serine, an amino acid with dissimilar properties. This amino acid position is not well conserved in available vertebrate species. In addition, the in silico prediction for this alteration is inconclusive. Since supporting evidence is limited at this time, the clinical significance of this alteration remains unclear.

Baylor Genetics
Classification: Uncertain significance for Malignant tumor of urinary bladder. Last evaluated: 2024-03-06. Review status: criteria provided, single submitter. Criteria: ACMG Guidelines, 2015. Collection method: clinical testing. Allele origin: unknown.

NM_000321.3(RB1):c.2002C>A (p.Arg668Ser)

Gene: RB1 (RB transcriptional corepressor 1; plus strand). Cytogenetic location: 13q14.2.
Variant type: single nucleotide variant.
Coding change: c.2002C>A on transcript NM_000321.3 (MANE Select); coding-DNA position 2002, C replaced by A.
Protein change: p.Arg668Ser; replaces arginine 668 with serine.
Molecular consequence: missense variant.
Genome position (GRCh38, 1-based): chr13:48,459,729, C>A. VCF-style: chr13-48459729-C-A. GRCh37 (hg19) VCF-style: chr13-49033865-C-A.
Other names: short protein forms R668S.
Identifiers: ClinVar variation 820519 (VCV000820519.15), dbSNP rs369755801, ClinGen allele CA388166741.